The following is an entry in ClinVar:

ClinVar aggregate classification (germline): Uncertain significance. Review status: criteria provided, multiple submitters, no conflicts (2 of 4 stars). 4 submissions from 4 submitters: Uncertain significance (3). 1 of the submissions does not count toward it. Last evaluated 2025-01-14.

Conditions:
Congenital neutropenia-myelofibrosis-nephromegaly syndrome. Also called: Severe congenital neutropenia 5, autosomal recessive. Identifiers: Orphanet 369852, MedGen C3809031, MONDO:0014118, OMIM 615285.
Inborn genetic diseases. Identifiers: MedGen C0950123, MeSH D030342.

Allele frequency attached by ClinVar (database versions not stated): ExAC 0.00009; gnomAD exomes 0.00009; TOPMed 0.00010; gnomAD 0.00013 and 0.00014; ESP Exome Variant Server 0.00046.

Submissions (4):

Labcorp Genetics (formerly Invitae), Labcorp
Classification: Uncertain significance for Congenital neutropenia-myelofibrosis-nephromegaly syndrome. Last evaluated: 2025-01-14. Review status: criteria provided, single submitter. Criteria: Invitae Variant Classification Sherloc (09022015). Collection method: clinical testing. Allele origin: germline.
Comment: This sequence change replaces arginine, which is basic and polar, with histidine, which is basic and polar, at codon 205 of the VPS45 protein (p.Arg205His). This variant is present in population databases (rs146660821, gnomAD 0.02%), including at least one homozygous and/or hemizygous individual. This variant has not been reported in the literature in individuals affected with VPS45-related conditions. ClinVar contains an entry for this variant (Variation ID: 474245). Invitae Evidence Modeling of protein sequence and biophysical properties (such as structural, functional, and spatial information, amino acid conservation, physicochemical variation, residue mobility, and thermodynamic stability) has been performed for this missense variant. However, the output from this modeling did not meet the statistical confidence thresholds required to predict the impact of this variant on VPS45 protein function. In summary, the available evidence is currently insufficient to determine the role of this variant in disease. Therefore, it has been classified as a Variant of Uncertain Significance.

Ambry Genetics
Classification: Uncertain significance for Inborn genetic diseases. Last evaluated: 2024-11-11. Review status: criteria provided, single submitter. Criteria: Ambry Variant Classification Scheme 2023. Collection method: clinical testing. Allele origin: germline.

GeneDx
Classification: Uncertain significance. Last evaluated: 2023-02-18. Review status: criteria provided, single submitter. Criteria: GeneDx Variant Classification Process June 2021. Collection method: clinical testing. Allele origin: germline. Affected: yes.
Comment: In silico analysis supports that this missense variant has a deleterious effect on protein structure/function; Has not been previously published as pathogenic or benign to our knowledge

Natera, Inc.
Classification: Uncertain significance for Autosomal recessive severe congenital neutropenia 5. Last evaluated: 2020-01-24. Review status: no assertion criteria provided. Collection method: clinical testing. Allele origin: germline. Not counted in ClinVar's aggregate classification.

NM_007259.5(VPS45):c.614G>A (p.Arg205His)

Gene: VPS45 (vacuolar protein sorting 45 homolog; plus strand). Cytogenetic location: 1q21.2.
Variant type: single nucleotide variant.
Coding change: c.614G>A on transcript NM_007259.5 (MANE Select); coding-DNA position 614, G replaced by A.
Protein change: p.Arg205His; replaces arginine 205 with histidine.
Molecular consequence: missense variant. On other transcripts: non-coding transcript variant (1).
Genome position (GRCh38, 1-based): chr1:150,077,706, G>A. VCF-style: chr1-150077706-G-A. GRCh37 (hg19) VCF-style: chr1-150049784-G-A.
Other names: c.299G>A, p.Arg100His (NM_001279353.2); c.506G>A, p.Arg169His (NM_001279354.2); c.614G>A (NM_007259.3); short protein forms R205H, R169H, R100H.
Identifiers: ClinVar variation 474245 (VCV000474245.8), dbSNP rs146660821, ClinGen allele CA1073193.
Genomic context (GRCh38, chr1:150,077,706, plus strand): 5'-CCATCTTTCTCTCTCACCCACAGCAAGTGATAACTAAAGAATATGAACTGTTTGAATTCC[G>A]TCGGACAGAGGTTCCTCCATTGCTCCTTATTTTAGATCGCTGTGATGATGCCATCACCCC-3'
Protein context (NP_009190.2, residues 195-215): ITKEYELFEF[Arg205His]RTEVPPLLLI